The following is an entry in ClinVar:

ClinVar aggregate classification (germline): Benign/Likely benign. Review status: criteria provided, multiple submitters, no conflicts (2 of 4 stars). 8 submissions from 8 submitters: Benign (5); Likely benign (1). 2 of the submissions do not count toward it. Last evaluated 2026-02-02.

Conditions:
COL6A3-related disorder. Also called: COL6A3-related condition; COL6A3-related disorders.
Collagen 6-related myopathy. Identifiers: MedGen CN117976, MONDO:0100225.
Bethlem myopathy 1A. Also called: Bethlem myopathy 1; Bethlem Muscular Dystrophy; MYOPATHY, BENIGN CONGENITAL, WITH CONTRACTURES. Identifiers: Orphanet 610, MedGen CN029274, MONDO:0024530, OMIM 158810.

Allele frequency attached by ClinVar (database versions not stated): ESP Exome Variant Server 0.01453; 1000 Genomes Project 0.01198; gnomAD 0.01387 and 0.01289; TOPMed 0.01545; gnomAD exomes 0.00335 and 0.00129; 1000 Genomes Project 30x 0.01218; ExAC 0.00414.
gnomAD v4.1: 3,967 of 1,614,000 alleles (0.25%); highest among the groups gnomAD compares: African/African-American, 4.5%; 81 homozygotes.

Submissions (8):

Labcorp Genetics (formerly Invitae), Labcorp
Classification: Benign for Bethlem myopathy 1A. Last evaluated: 2026-02-02. Review status: criteria provided, single submitter. Criteria: Invitae Variant Classification Sherloc (09022015). Collection method: clinical testing. Allele origin: germline.

Mayo Clinic Laboratories, Mayo Clinic
Classification: Benign. Last evaluated: 2021-12-03. Review status: criteria provided, single submitter. Criteria: ACMG Guidelines, 2015. Collection method: clinical testing. Allele origin: germline. Observed: 3 variant alleles.
Comment: BS1, BS2, BP4, BP7

Illumina Laboratory Services, Illumina
Classification: Benign for Collagen VI-related myopathy. Last evaluated: 2018-01-12. Review status: criteria provided, single submitter. Criteria: ICSL Variant Classification Criteria 13 December 2019. Collection method: clinical testing. Allele origin: germline.
Comment: This variant was observed in the ICSL laboratory as part of a predisposition screen in an ostensibly healthy population. It had not been previously curated by ICSL or reported in the Human Gene Mutation Database (HGMD: prior to June 1st, 2018), and was therefore a candidate for classification through an automated scoring system. Utilizing variant allele frequency, disease prevalence and penetrance estimates, and inheritance mode, an automated score was calculated to assess if this variant is too frequent to cause the disease. Based on the score and internal cut-off values, a variant classified as benign is not then subjected to further curation. The score for this variant resulted in a classification of benign for this disease.

GeneDx
Classification: Benign. Last evaluated: 2016-03-03. Review status: criteria provided, single submitter. Criteria: GeneDx Variant Classification (06012015). Collection method: clinical testing. Allele origin: germline. Affected: yes.
Comment: This variant is considered likely benign or benign based on one or more of the following criteria: it is a conservative change, it occurs at a poorly conserved position in the protein, it is predicted to be benign by multiple in silico algorithms, and/or has population frequency not consistent with disease.

Eurofins Ntd Llc (ga)
Classification: Benign. Last evaluated: 2012-11-05. Review status: criteria provided, single submitter. Criteria: EGL Classification Definitions 2015. Collection method: clinical testing. Allele origin: germline. Observed: 1 variant allele, 1 heterozygote.

Breakthrough Genomics
Classification: Likely benign. Review status: criteria provided, single submitter. Criteria: ACMG Guidelines, 2015. Collection method: not provided. Allele origin: germline. Inheritance: Autosomal recessive inheritance. Affected: yes.

PreventionGenetics, part of Exact Sciences
Classification: Benign for COL6A3-related condition. Last evaluated: 2021-09-08. Review status: no assertion criteria provided. Collection method: clinical testing. Allele origin: germline. Not counted in ClinVar's aggregate classification.
Comment: This variant is classified as benign based on ACMG/AMP sequence variant interpretation guidelines (Richards et al. 2015 PMID: 25741868, with internal and published modifications).

Genetic Services Laboratory, University of Chicago
Classification: Likely benign for AllHighlyPenetrant. Review status: no assertion criteria provided. Collection method: clinical testing. Allele origin: germline. Not counted in ClinVar's aggregate classification.
Comment: Likely benign based on allele frequency in 1000 Genomes Project or ESP global frequency and its presence in a patient with a rare or unrelated disease phenotype. NOT Sanger confirmed.

NM_004369.4(COL6A3):c.3054C>T (p.Asn1018=)

Gene: COL6A3 (collagen type VI alpha 3 chain; minus strand). Cytogenetic location: 2q37.3.
Variant type: single nucleotide variant.
Coding change: c.3054C>T on transcript NM_004369.4 (MANE Select); coding-DNA position 3054, C replaced by T.
Protein change: p.Asn1018=; no amino-acid change (asparagine 1018 retained).
Molecular consequence: synonymous variant.
Genome position (GRCh38, 1-based): chr2:237,376,788, G>A on the plus strand (C>T on the coding strand, the complement: COL6A3 is on the minus strand). VCF-style: chr2-237376788-G-A. GRCh37 (hg19) VCF-style: chr2-238285431-G-A.
Other names: p.Asn1018=; c.1833C>T, p.Asn611= (NM_057164.5); c.2436C>T, p.Asn812= (NM_057165.5, NM_057167.4); c.1233C>T, p.Asn411= (NM_057166.5).
Identifiers: ClinVar variation 94917 (VCV000094917.28), dbSNP rs34367758, ClinGen allele CA147937.